The following is an entry in ClinVar:

ClinVar aggregate classification (germline): Likely benign. Review status: criteria provided, multiple submitters, no conflicts (2 of 4 stars). 2 submissions from 2 submitters: Likely benign (2). Last evaluated 2026-01-27.

Conditions:
Myopathy, centronuclear, 2 (CNM2). Also called: MYOTUBULAR MYOPATHY, AUTOSOMAL RECESSIVE. Identifiers: Orphanet 169186, MedGen CN031787, MONDO:0009709, OMIM 255200.

Allele frequency attached by ClinVar (database versions not stated): gnomAD exomes 0.00013; TOPMed 0.00053; gnomAD 0.00060 and 0.00058; ExAC 0.00016; 1000 Genomes Project 30x 0.00031; 1000 Genomes Project 0.00040; ESP Exome Variant Server 0.00046.
gnomAD v4.1: 180 of 1,614,184 alleles (0.011%); highest among the groups gnomAD compares: African/African-American, 0.17%; 2 homozygotes.

Submissions (2):

Labcorp Genetics (formerly Invitae), Labcorp
Classification: Likely benign for Myopathy, centronuclear, 2. Last evaluated: 2026-01-27. Review status: criteria provided, single submitter. Criteria: Invitae Variant Classification Sherloc (09022015). Collection method: clinical testing. Allele origin: germline.

GeneDx
Classification: Likely benign. Last evaluated: 2017-12-18. Review status: criteria provided, single submitter. Criteria: GeneDx Variant Classification (06012015). Collection method: clinical testing. Allele origin: germline. Affected: yes.
Comment: This variant is considered likely benign or benign based on one or more of the following criteria: it is a conservative change, it occurs at a poorly conserved position in the protein, it is predicted to be benign by multiple in silico algorithms, and/or has population frequency not consistent with disease.

NM_139343.3(BIN1):c.471C>T (p.Tyr157=)

Gene: BIN1 (bridging integrator 1; minus strand). Cytogenetic location: 2q14.3.
Variant type: single nucleotide variant.
Coding change: c.471C>T on transcript NM_139343.3 (MANE Select); coding-DNA position 471, C replaced by T.
Protein change: p.Tyr157=; no amino-acid change (tyrosine 157 retained).
Molecular consequence: synonymous variant.
Genome position (GRCh38, 1-based): chr2:127,068,972, G>A on the plus strand (C>T on the coding strand, the complement: BIN1 is on the minus strand). VCF-style: chr2-127068972-G-A. GRCh37 (hg19) VCF-style: chr2-127826548-G-A.
Other names: c.471C>T, p.Tyr157= (NM_001320632.2, NM_001320633.2, NM_001320640.2 and 10 more transcripts); c.399C>T, p.Tyr133= (NM_001320634.1); c.390C>T, p.Tyr130= (NM_001320642.1).
Identifiers: ClinVar variation 514060 (VCV000514060.12), dbSNP rs138885327, ClinGen allele CA1857471.